The following is an entry in ClinVar:

NM_201253.3(CRB1):c.3157A>G (p.Met1053Val)

Gene: CRB1 (crumbs cell polarity complex component 1; plus strand). Cytogenetic location: 1q31.3.
Variant type: single nucleotide variant.
Coding change: c.3157A>G on transcript NM_201253.3 (MANE Select); coding-DNA position 3157, A replaced by G.
Protein change: p.Met1053Val; replaces methionine 1053 with valine.
Molecular consequence: missense variant. On other transcripts: non-coding transcript variant (2), intron variant (1).
Genome position (GRCh38, 1-based): chr1:197,435,020, A>G. VCF-style: chr1-197435020-A-G. GRCh37 (hg19) VCF-style: chr1-197404150-A-G.
Other names: c.2821A>G, p.Met941Val (NM_001193640.2); c.3085A>G, p.Met1029Val (NM_001257965.2); c.2129-580A>G (NM_001257966.2); short protein forms M1029V, M1053V, M941V.
Identifiers: ClinVar variation 2680978 (VCV002680978.3), dbSNP rs763369093, ClinGen allele CA1312284.

ClinVar aggregate classification (germline): Conflicting classifications of pathogenicity. Review status: criteria provided, conflicting classifications (1 of 4 stars). 2 submissions from 2 submitters: Likely pathogenic (1); Uncertain significance (1). Last evaluated 2025-02-23.

Conditions:
Leber congenital amaurosis 8 (LCA8). Identifiers: Orphanet 65, MedGen C3151202, MONDO:0013453, OMIM 613835.
Retinitis pigmentosa 12 (RP12). Also called: RP WITH OR WITHOUT PRESERVED PARAARTERIOLE RETINAL PIGMENT EPITHELIUM; RETINITIS PIGMENTOSA WITH OR WITHOUT PARAARTERIOLAR PRESERVATION OF RETINAL PIGMENT EPITHELIUM; RP WITH OR WITHOUT PPRPE. Identifiers: Orphanet 791, MedGen C1838647, MONDO:0010818, OMIM 600105.

Allele frequency attached by ClinVar (database versions not stated): gnomAD exomes below 0.00001; TOPMed below 0.00001; ExAC 0.00001.

Submissions (2):

Labcorp Genetics (formerly Invitae), Labcorp
Classification: Uncertain significance for Leber congenital amaurosis 8; Retinitis pigmentosa 12. Last evaluated: 2025-02-23. Review status: criteria provided, single submitter. Criteria: Invitae Variant Classification Sherloc (09022015). Collection method: clinical testing. Allele origin: germline.
Comment: This sequence change replaces methionine, which is neutral and non-polar, with valine, which is neutral and non-polar, at codon 1053 of the CRB1 protein (p.Met1053Val). This variant is present in population databases (rs763369093, gnomAD 0.003%). This missense change has been observed in individuals with retinitis pigmentosa (PMID: 23379534). ClinVar contains an entry for this variant (Variation ID: 2680978). Invitae Evidence Modeling of protein sequence and biophysical properties (such as structural, functional, and spatial information, amino acid conservation, physicochemical variation, residue mobility, and thermodynamic stability) has been performed for this missense variant. However, the output from this modeling did not meet the statistical confidence thresholds required to predict the impact of this variant on CRB1 protein function. This variant disrupts the p.Met1053 amino acid residue in CRB1. Other variant(s) that disrupt this residue have been observed in individuals with CRB1-related conditions (PMID: 23379534, 31736247), which suggests that this may be a clinically significant amino acid residue. In summary, the available evidence is currently insufficient to determine the role of this variant in disease. Therefore, it has been classified as a Variant of Uncertain Significance.

Baylor Genetics
Classification: Likely pathogenic for Leber congenital amaurosis 8. Last evaluated: 2023-03-31. Review status: criteria provided, single submitter. Criteria: ACMG Guidelines, 2015. Collection method: clinical testing. Allele origin: unknown.

Literature cited by the submitters: PubMed 23379534 (cited by Labcorp Genetics (formerly Invitae), Labcorp); PubMed 31736247 (cited by Labcorp Genetics (formerly Invitae), Labcorp).